The following is an entry in ClinVar:

NM_198129.4(LAMA3):c.6561del (p.Ala2188fs)

Gene: LAMA3 (laminin subunit alpha 3; plus strand). Cytogenetic location: 18q11.2.
Variant type: Deletion.
Coding change: c.6561del on transcript NM_198129.4 (MANE Select); coding-DNA position 6561, one base deleted (A; older notation c.6561delA).
Protein change: p.Ala2188fs; shifts the reading frame from alanine 2188.
Molecular consequence: frameshift variant.
Genome position (GRCh38, 1-based): chr18:23,904,640, A deleted; the last of 3 consecutive A bases (chr18:23,904,638-23,904,640); deleting any one gives the same sequence. VCF-style (leftmost placement, unchanged base first): chr18-23904637-CA-C. GRCh37 (hg19) VCF-style: chr18-21484601-CA-C.
Other names: c.1734del, p.Ala579fs (NM_000227.6); c.6393del, p.Ala2132fs (NM_001127717.4); c.1566del, p.Ala523fs (NM_001127718.4); short protein forms A579fs, A2132fs, A2188fs, A523fs.
Identifiers: ClinVar variation 2699676 (VCV002699676.3), dbSNP rs2511412926, ClinGen allele CA2697555357.
Genomic context (GRCh38, chr18:23,904,637, plus strand): 5'-TGAGCTGGTGCGCTGTGCTGTGGATGCCGCCACCGCCTACGAGAACATCCTCAATGCCAT[CA>C]AAGCGGCCGAGGACGCAGCCAACAGGGCTGCCAGTGCATCTGAATCTGCCCTCCAGGTGG-3'

ClinVar aggregate classification (germline): Pathogenic (1 of 4 stars; one submission).

Submission:

Labcorp Genetics (formerly Invitae), Labcorp
Classification: Pathogenic. Last evaluated: 2023-12-05. Review status: criteria provided, single submitter. Criteria: Invitae Variant Classification Sherloc (09022015). Collection method: clinical testing. Allele origin: germline.
Comment: This sequence change creates a premature translational stop signal (p.Ala579Argfs*20) in the LAMA3 gene. It is expected to result in an absent or disrupted protein product. Loss-of-function variants in LAMA3 are known to be pathogenic (PMID: 10366601, 11810295, 12915477, 16473856, 17362460, 22434185, 23869449, 27827380, 28087116). This variant is not present in population databases (gnomAD no frequency). This variant has not been reported in the literature in individuals affected with LAMA3-related conditions. For these reasons, this variant has been classified as Pathogenic.

Literature cited by the submitters: PubMed 10366601; PubMed 11810295; PubMed 12915477; PubMed 16473856; PubMed 17362460; PubMed 22434185; PubMed 23869449; PubMed 27827380; PubMed 28087116.